The following is an entry in ClinVar:

ClinVar aggregate classification (germline): Pathogenic. Review status: reviewed by expert panel (3 of 4 stars). 14 submissions from 13 submitters: Pathogenic (1). 13 of the submissions do not count toward it. Last evaluated 2025-02-19.

Conditions:
F9-related disorders.
Thrombophilia, X-linked, due to factor 9 defect. Identifiers: MedGen C2749016, MONDO:0010432, OMIM 300807.
Hereditary factor IX deficiency disease (HEMB). Also called: F9 DEFICIENCY; FACTOR IX DEFICIENCY; Hemophilia B; PLASMA THROMBOPLASTIN COMPONENT DEFICIENCY; Christmas Disease. Identifiers: Orphanet 98879, MedGen C0008533, MeSH D002836, MONDO:0010604, OMIM 306900.
Hereditary factor VIII deficiency disease (HEMA). Also called: AUTOSOMAL HEMOPHILIA A; HEMOPHILIA, CLASSIC; Hemophilia A, congenital; HEM A; Factor 8 deficiency, congenital; Hemophilia A. Identifiers: Orphanet 98878, MedGen C0019069, MONDO:0010602, OMIM 306700.
Abnormality of coagulation. Identifiers: MedGen C1846821, HP:0001928.

Allele frequency attached by ClinVar (database versions not stated): TOPMed 0.00006.
gnomAD v4.1: 2 of 1,164,074 alleles (0.00017%); highest among the groups gnomAD compares: Non-Finnish European, 0.00023%; no homozygotes.

Submissions 1 to 8 of 14:

ClinGen Coagulation Factor Deficiency Variant Curation Expert Panel, Clingen
Classification: Pathogenic for Hereditary factor IX deficiency disease. Last evaluated: 2025-02-19. Review status: reviewed by expert panel. Criteria: ClinGen CoagFactor ACMG Specifications F9 V1.0.0. Collection method: curation. Allele origin: germline. Inheritance: X-linked inheritance.
Comment: The NM_000133.3:c.835G>A variant that results in the Ala279Thr missense change is absent from gnomAD v2.1.1 and v3, meeting PM2_Supporting. More than 59 male patients with mild hemophilia B are reported hemizygous for this variant in the literature, meeting PS4_Very strong and PP4_Moderate criteria (PMID: 29296726, 29656491). It is noted as a founder variant but may also have arisen de novo as a recurrent variant and is found in multiple ethnicities. The variant has a REVEL score of 0.765 (>0.6) which meets the thresholds recommended for PP3. In summary, the variant meets criteria to be classified as pathogenic. ACMG/AMP criteria applied, as specified by the Coagulation Factor Deficiency Variant Curation Expert Panel for F9: PS4_Very Strong, PP3, PP4_Moderate, PM2_Supporting.

Clinical Genetics Laboratory, Skane University Hospital Lund
Classification: Pathogenic for Hereditary factor IX deficiency disease. Last evaluated: 2026-03-18. Review status: criteria provided, single submitter. Criteria: ACMG Guidelines, 2015. Collection method: clinical testing. Allele origin: germline. Inheritance: X-linked inheritance. Affected: yes. Not counted in ClinVar's aggregate classification.
Comment: F9 (NM_000133.4) c.835G>A, p.(Ala279Thr) represents a nucleotide substitution in exon 7 of 8, resulting in the amino acid change stated above, which is predicted to be damaging to protein function. F9 c.835G>A has not been observed in male individuals in the general population (gnomAD v4.1.0), has previously been described in more than 59 cases of mild hemophilia B in the literature (PMID: 29296726, 29656491) and is expert-classified as pathogenic in the ClinVar database (Accession: VCV000216926.31). The variant has been classified as pathogenic using gene-specific criteria (ClinGen Coagulation Factor Deficiency Expert Panel Specifications to the ACMG/AMP Variant Interpretation Guidelines for F9 Version 2.0.0): PS4_Very Strong, PM2_Supporting, PP3, PP4_Moderate.

Labcorp Genetics (formerly Invitae), Labcorp
Classification: Pathogenic for Thrombophilia, X-linked, due to factor 9 defect; Hereditary factor IX deficiency disease. Last evaluated: 2025-10-18. Review status: criteria provided, single submitter. Criteria: Invitae Variant Classification Sherloc (09022015). Collection method: clinical testing. Allele origin: germline. Not counted in ClinVar's aggregate classification.
Comment: This sequence change replaces alanine, which is neutral and non-polar, with threonine, which is neutral and polar, at codon 279 of the F9 protein (p.Ala279Thr). This variant is not present in population databases (gnomAD no frequency). This missense change has been observed in individuals with hemophilia B (PMID: 2066105, 23093250, 27529981, 27865967, 29656491, 34355501, 34708896). This variant is also known as Ala233Thr. ClinVar contains an entry for this variant (Variation ID: 216926). Invitae Evidence Modeling of protein sequence and biophysical properties (such as structural, functional, and spatial information, amino acid conservation, physicochemical variation, residue mobility, and thermodynamic stability) indicates that this missense variant is not expected to disrupt F9 protein function with a negative predictive value of 80%. This variant disrupts the p.Ala279 amino acid residue in F9. Other variant(s) that disrupt this residue have been determined to be pathogenic (internal data). This suggests that this residue is clinically significant, and that variants that disrupt this residue are likely to be disease-causing. For these reasons, this variant has been classified as Pathogenic.

GeneDx
Classification: Pathogenic. Last evaluated: 2025-05-13. Review status: criteria provided, single submitter. Criteria: GeneDx Variant Classification Process June 2021. Collection method: clinical testing. Allele origin: germline. Affected: yes. Not counted in ClinVar's aggregate classification.
Comment: Not observed at significant frequency in large population cohorts (gnomAD); In silico analysis suggests that this missense variant does not alter protein structure/function; This variant is associated with the following publications: (PMID: 31064749, 2066105, 29388750, 22639855, 34708896, 29656491, 19699296, 27865967, 27529981, 24219067, 8091381, 23093250, 1972560, 18540896, 34355501)

Natera, Inc.
Classification: Likely pathogenic for Hemophilia B. Last evaluated: 2025-04-25. Review status: criteria provided, single submitter. Criteria: Natera Variant Classification Schema (03/2026). Collection method: clinical testing. Allele origin: germline. Not counted in ClinVar's aggregate classification.
Comment: The c.835G>A variant in F9 is a missense variant predicted to cause substitution of alanine to threonine at amino acid 279. This variant is rare in the general population with a frequency below the threshold expected for the associated phenotype(s). This variant has been observed in affected individual(s) with monoallelic occurrence (heterozygous/hemizygous) (PMID: 1972560, 24219067, 12709378, 10094553). Functional studies show that this variant may disrupt protein function (PMID: 15921378, 23093250). Computational prediction algorithms indicate this variant is likely to affect gene or protein function. Given the available evidence, this variant is classified as Likely Pathogenic.

Women's Health and Genetics/Laboratory Corporation of America, LabCorp
Classification: Pathogenic for Hereditary factor IX deficiency disease. Last evaluated: 2024-04-24. Review status: criteria provided, single submitter. Criteria: LabCorp Variant Classification Summary - May 2015. Collection method: clinical testing. Allele origin: germline. Not counted in ClinVar's aggregate classification.
Comment: Variant summary: F9 c.835G>A (p.Ala279Thr), also reported as p.Ala233Thr, results in a non-conservative amino acid change located in the Serine proteases, trypsin domain (IPR001254) of the encoded protein sequence. Four of five in-silico tools predict a damaging effect of the variant on protein function. The variant was absent in 183314 control chromosomes. c.835G>A has been reported in the literature in multiple individuals affected with Factor IX Deficiency (Hemophilia B) ranging from mild to severe (Green_1990, Hallden_2013, Saad_1994). These data indicate that the variant is very likely to be associated with disease. In at least 1 study, FIX:C coagulation activities in samples from affected individuals ranged between 5-22% of controls (Green_1990). The following publications have been ascertained in the context of this evaluation (PMID: 1972560, 24219067, 8091381). ClinVar contains an entry for this variant (Variation ID: 216926). Based on the evidence outlined above, the variant was classified as pathogenic.

Blueprint Genetics
Classification: Pathogenic for F9-related disorders. Last evaluated: 2023-05-25. Review status: criteria provided, single submitter. Criteria: ACMG Guidelines, 2015. Collection method: clinical testing. Allele origin: germline. Affected: yes. Observed: 1 variant allele. Not counted in ClinVar's aggregate classification.

Revvity Omics, Revvity
Classification: Pathogenic. Last evaluated: 2021-11-08. Review status: criteria provided, single submitter. Criteria: ACMG Guidelines, 2015. Collection method: clinical testing. Allele origin: germline. Not counted in ClinVar's aggregate classification.

NM_000133.4(F9):c.835G>A (p.Ala279Thr)

Gene: F9 (coagulation factor IX; plus strand). Cytogenetic location: Xq27.1.
Variant type: single nucleotide variant.
Coding change: c.835G>A on transcript NM_000133.4 (MANE Select); coding-DNA position 835, G replaced by A.
Protein change: p.Ala279Thr; replaces alanine 279 with threonine.
Molecular consequence: missense variant.
Genome position (GRCh38, 1-based): chrX:139,560,852, G>A. VCF-style: chrX-139560852-G-A. GRCh37 (hg19) VCF-style: chrX-138643011-G-A.
Other names: NM_000133.3(F9):c.835G>A; c.721G>A, p.Ala241Thr (NM_001313913.2); short protein forms A279T, A241T.
Identifiers: ClinVar variation 216926 (VCV000216926.34), dbSNP rs137852247, ClinGen allele CA277507.